The following is an entry in ClinVar:

ClinVar aggregate classification (germline): Uncertain significance (1 of 4 stars; one submission).

Allele frequency attached by ClinVar (database versions not stated): gnomAD exomes below 0.00001.
gnomAD v4.1: 1 of 1,613,974 alleles (0.000062%); highest among the groups gnomAD compares: Non-Finnish European, 0.000085%; no homozygotes.

Submission:

Labcorp Genetics (formerly Invitae), Labcorp
Classification: Uncertain significance. Last evaluated: 2020-02-22. Review status: criteria provided, single submitter. Criteria: Invitae Variant Classification Sherloc (09022015). Collection method: clinical testing. Allele origin: germline.
Comment: In summary, the available evidence is currently insufficient to determine the role of this variant in disease. Therefore, it has been classified as a Variant of Uncertain Significance. This sequence change replaces proline with serine at codon 503 of the RGS9 protein (p.Pro503Ser). The proline residue is moderately conserved and there is a moderate physicochemical difference between proline and serine. This variant is not present in population databases (ExAC no frequency). This variant has not been reported in the literature in individuals with RGS9-related conditions. Algorithms developed to predict the effect of missense changes on protein structure and function are either unavailable or do not agree on the potential impact of this missense change (SIFT: "Deleterious"; PolyPhen-2: "Benign"; Align-GVGD: "Class C0").

NM_003835.4(RGS9):c.1507C>T (p.Pro503Ser)

Gene: RGS9 (regulator of G protein signaling 9; plus strand). Cytogenetic location: 17q24.1.
Variant type: single nucleotide variant.
Coding change: c.1507C>T on transcript NM_003835.4 (MANE Select); coding-DNA position 1507, C replaced by T.
Protein change: p.Pro503Ser; replaces proline 503 with serine.
Molecular consequence: missense variant.
Genome position (GRCh38, 1-based): chr17:65,225,101, C>T. VCF-style: chr17-65225101-C-T. GRCh37 (hg19) VCF-style: chr17-63221219-C-T.
Other names: c.1498C>T, p.Pro500Ser (NM_001081955.3); short protein forms P500S, P503S.
Identifiers: ClinVar variation 1020458 (VCV001020458.9), dbSNP rs1905578200, ClinGen allele CA400673415.
Genomic context (GRCh38, chr17:65,225,101, plus strand): 5'-TACACCGGGACCTGCATGCCCCCGTCTCCTTCTAGCCCCTTCTCCTCCTCCTGCCGCTCC[C>T]CCAGGAAGCCTTTCGCCTCACCCAGCCGCTTCATCCGGCGACCCAGCACCACCATCTGCC-3'
Protein context (NP_003826.2, residues 493-513): SSPFSSSCRS[Pro503Ser]RKPFASPSRF